The following is an entry in ClinVar:

ClinVar aggregate classification (germline): Conflicting classifications of pathogenicity. Review status: criteria provided, conflicting classifications (1 of 4 stars). 2 submissions from 2 submitters: Likely pathogenic (1); Uncertain significance (1). Last evaluated 2025-07-31.

Conditions:
Phenylketonuria (PKU). Also called: OLIGOPHRENIA PHENYLPYRUVICA; Phenylketonurias; Phenylketonuria (PKU); FOLLING DISEASE. Identifiers: Orphanet 716, MedGen C0031485, MONDO:0009861, OMIM 261600. Disease mechanism: loss of function.

gnomAD v4.1: 1 of 1,613,972 alleles (0.000062%); highest among the groups gnomAD compares: African/African-American, 0.0013%; no homozygotes.

Submissions (2):

Women's Health and Genetics/Laboratory Corporation of America, LabCorp
Classification: Uncertain significance. Last evaluated: 2025-07-31. Review status: criteria provided, single submitter. Criteria: LabCorp Variant Classification Summary - May 2015. Collection method: clinical testing. Allele origin: germline.
Comment: Variant summary: PAH c.1259G>C (p.Arg420Thr) results in a non-conservative amino acid change located in the Aromatic amino acid hydroxylase, C-terminal domain (IPR019774) of the encoded protein sequence. Algorithms developed to predict the effect of missense changes on protein structure and function all suggest that this variant is likely to be disruptive. The variant was absent in 251446 control chromosomes. The available data on variant occurrences in the general population are insufficient to allow any conclusion about variant significance. To our knowledge, no occurrence of c.1259G>C in individuals affected with Phenylalanine Hydroxylase Deficiency (Phenylketonuria) and no experimental evidence demonstrating its impact on protein function have been reported. A different variant affecting the same codon has been classified as likely pathogenic by our lab (c.1259G>T, p.Arg420Met), supporting the critical relevance of codon 420 to PAH protein function. ClinVar contains an entry for this variant (Variation ID: 1518834). Based on the evidence outlined above, the variant was classified as uncertain significance.

Labcorp Genetics (formerly Invitae), Labcorp
Classification: Likely pathogenic for Phenylketonuria. Last evaluated: 2021-11-04. Review status: criteria provided, single submitter. Criteria: Invitae Variant Classification Sherloc (09022015). Collection method: clinical testing. Allele origin: germline.
Comment: In summary, the currently available evidence indicates that the variant is pathogenic, but additional data are needed to prove that conclusively. Therefore, this variant has been classified as Likely Pathogenic. This variant disrupts the p.Arg420 amino acid residue in PAH. Other variant(s) that disrupt this residue have been determined to be pathogenic (PMID: 27121329; Invitae). This suggests that this residue is clinically significant, and that variants that disrupt this residue are likely to be disease-causing. Advanced modeling of protein sequence and biophysical properties (such as structural, functional, and spatial information, amino acid conservation, physicochemical variation, residue mobility, and thermodynamic stability) performed at Invitae indicates that this missense variant is expected to disrupt PAH protein function. This variant has not been reported in the literature in individuals affected with PAH-related conditions. This variant is not present in population databases (gnomAD no frequency). This sequence change replaces arginine, which is basic and polar, with threonine, which is neutral and polar, at codon 420 of the PAH protein (p.Arg420Thr).

Literature cited by the submitters: PubMed 27121329 (cited by Labcorp Genetics (formerly Invitae), Labcorp).

NM_000277.3(PAH):c.1259G>C (p.Arg420Thr)

Gene: PAH (phenylalanine hydroxylase; minus strand). Cytogenetic location: 12q23.2.
Variant type: single nucleotide variant.
Coding change: c.1259G>C on transcript NM_000277.3 (MANE Select); coding-DNA position 1259, G replaced by C.
Protein change: p.Arg420Thr; replaces arginine 420 with threonine.
Molecular consequence: missense variant.
Genome position (GRCh38, 1-based): chr12:102,840,456, C>G on the plus strand (G>C on the coding strand, the complement: PAH is on the minus strand). VCF-style: chr12-102840456-C-G. GRCh37 (hg19) VCF-style: chr12-103234234-C-G.
Other names: c.1259G>C, p.Arg420Thr (NM_001354304.2); short protein forms R420T.
Identifiers: ClinVar variation 1518834 (VCV001518834.8), dbSNP rs767075719, ClinGen allele CA242743437.